The following is an entry in ClinVar:

NM_001136191.3(KANK2):c.1521G>T (p.Gly507=)

Gene: KANK2 (KN motif and ankyrin repeat domains 2; minus strand). Cytogenetic location: 19p13.2.
Variant type: single nucleotide variant.
Coding change: c.1521G>T on transcript NM_001136191.3 (MANE Select); coding-DNA position 1521, G replaced by T.
Protein change: p.Gly507=; no amino-acid change (glycine 507 retained).
Molecular consequence: synonymous variant.
Genome position (GRCh38, 1-based): chr19:11,176,817, C>A on the plus strand (G>T on the coding strand, the complement: KANK2 is on the minus strand). VCF-style: chr19-11176817-C-A. GRCh37 (hg19) VCF-style: chr19-11287493-C-A.
Other names: c.1521G>T, p.Gly507= (NM_001329451.2, NM_001379555.1, NM_001379556.1 and 7 more transcripts); c.1545G>T, p.Gly515= (NM_001379548.1, NM_001379549.1, NM_001379550.1 and 5 more transcripts).
Identifiers: ClinVar variation 3624812 (VCV003624812.2).
Genomic context (GRCh38, chr19:11,176,817, plus strand): 5'-TGTGCTGTCGTTGTCTGAGATGTTCTCTGCTGTGCTGGAGTCCTCGGATGACGACTCATA[C>A]CTGGGGAGGAACGAGCGGGGAGGGGGAGATGCTGCAGGTGGGATGAGAAATGGTGGGAAA-3'
Protein context (NP_001129663.1, residues 497-517): RSLQFVGVNG[Gly507=]YESSSEDSST

ClinVar aggregate classification (germline): Uncertain significance (1 of 4 stars; one submission).

gnomAD v4.1: 22 of 1,507,868 alleles (0.0015%); highest among the groups gnomAD compares: East Asian, 0.043%; no homozygotes.

Submission:

Labcorp Genetics (formerly Invitae), Labcorp
Classification: Uncertain significance. Last evaluated: 2024-06-03. Review status: criteria provided, single submitter. Criteria: Invitae Variant Classification Sherloc (09022015). Collection method: clinical testing. Allele origin: germline.
Comment: This sequence change affects codon 507 of the KANK2 mRNA. It is a 'silent' change, meaning that it does not change the encoded amino acid sequence of the KANK2 protein. It affects a nucleotide within the consensus splice site. This variant is present in population databases (rs764235372, gnomAD 0.2%), and has an allele count higher than expected for a pathogenic variant. This variant has not been reported in the literature in individuals affected with KANK2-related conditions. Algorithms developed to predict the effect of sequence changes on RNA splicing suggest that this variant may create or strengthen a splice site. In summary, the available evidence is currently insufficient to determine the role of this variant in disease. Therefore, it has been classified as a Variant of Uncertain Significance.